The following is an entry in ClinVar:

NM_004706.4(ARHGEF1):c.222C>T (p.Pro74=)

Gene: ARHGEF1 (Rho guanine nucleotide exchange factor 1; plus strand). Cytogenetic location: 19q13.2.
Variant type: single nucleotide variant.
Coding change: c.222C>T on transcript NM_004706.4 (MANE Select); coding-DNA position 222, C replaced by T.
Protein change: p.Pro74=; no amino-acid change (proline 74 retained).
Molecular consequence: synonymous variant.
Genome position (GRCh38, 1-based): chr19:41,888,862, C>T. VCF-style: chr19-41888862-C-T. GRCh37 (hg19) VCF-style: chr19-42392933-C-T.
Other names: c.222C>T, p.Pro74= (NM_198977.2); c.267C>T, p.Pro89= (NM_199002.2).
Identifiers: ClinVar variation 1664666 (VCV001664666.30), dbSNP rs201383072, ClinGen allele CA9465817.

ClinVar aggregate classification (germline): Likely benign. Review status: criteria provided, multiple submitters, no conflicts (2 of 4 stars). 3 submissions from 3 submitters: Likely benign (3). Last evaluated 2025-02-08.

Allele frequency attached by ClinVar (database versions not stated): gnomAD 0.00002; TOPMed 0.00002; gnomAD exomes 0.00003; ExAC 0.00004; 1000 Genomes Project 0.00020; 1000 Genomes Project 30x 0.00031.
gnomAD v4.1: 55 of 1,613,406 alleles (0.0034%); highest among the groups gnomAD compares: Admixed American, 0.005%; no homozygotes.

Submissions (3):

Labcorp Genetics (formerly Invitae), Labcorp
Classification: Likely benign. Last evaluated: 2025-02-08. Review status: criteria provided, single submitter. Criteria: Invitae Variant Classification Sherloc (09022015). Collection method: clinical testing. Allele origin: germline.

CeGaT Center for Human Genetics Tuebingen
Classification: Likely benign. Last evaluated: 2024-03-01. Review status: criteria provided, single submitter. Criteria: CeGaT Center For Human Genetics Tuebingen Variant Classification Criteria Version 2. Collection method: clinical testing. Allele origin: germline. Affected: yes. Observed: 1 variant allele.
Comment: ARHGEF1: BP4, BP7

Blueprint Genetics
Classification: Likely benign. Last evaluated: 2021-08-24. Review status: criteria provided, single submitter. Criteria: ACMG Guidelines, 2015. Collection method: clinical testing. Allele origin: germline.